The following is an entry in ClinVar:

ClinVar aggregate classification (germline): Likely benign (1 of 4 stars; one submission).

Submission:

GeneDx
Classification: Likely benign. Last evaluated: 2016-02-15. Review status: criteria provided, single submitter. Criteria: GeneDx Variant Classification (06012015). Collection method: clinical testing. Allele origin: germline. Affected: yes.
Comment: This variant is considered likely benign or benign based on one or more of the following criteria: it is a conservative change, it occurs at a poorly conserved position in the protein, it is predicted to be benign by multiple in silico algorithms, and/or has population frequency not consistent with disease.

NM_004329.3(BMPR1A):c.-267-19dup

Gene: BMPR1A (bone morphogenetic protein receptor type 1A; plus strand). Cytogenetic location: 10q23.2.
Variant type: Duplication.
Coding change: c.-267-19dup on transcript NM_004329.3 (MANE Select); 19 bases into the intron before 267 bases upstream of the start codon, one base duplicated (T; older notation c.-267-19dupT).
Molecular consequence: intron variant.
Genome position (GRCh38, 1-based): chr10:86,838,846, T duplicated; the last of 2 consecutive T bases (chr10:86,838,845-86,838,846); duplicating either gives the same sequence. VCF-style (leftmost placement, unchanged base first): chr10-86838844-G-GT. GRCh37 (hg19) VCF-style: chr10-88598601-G-GT.
Other names: c.-267-19dupT (NM_004329.2).
Identifiers: ClinVar variation 420515 (VCV000420515.1), dbSNP rs1231134447, ClinGen allele CA16618993.